The following is an entry in ClinVar:

NM_139057.4(ADAMTS17):c.2462G>A (p.Arg821His)

Gene: ADAMTS17 (ADAM metallopeptidase with thrombospondin type 1 motif 17; minus strand). Cytogenetic location: 15q26.3.
Variant type: single nucleotide variant.
Coding change: c.2462G>A on transcript NM_139057.4 (MANE Select); coding-DNA position 2462, G replaced by A.
Protein change: p.Arg821His; replaces arginine 821 with histidine.
Molecular consequence: missense variant.
Genome position (GRCh38, 1-based): chr15:100,048,986, C>T on the plus strand (G>A on the coding strand, the complement: ADAMTS17 is on the minus strand). VCF-style: chr15-100048986-C-T. GRCh37 (hg19) VCF-style: chr15-100589191-C-T.
Other names: short protein forms R821H.
Identifiers: ClinVar variation 887751 (VCV000887751.7), dbSNP rs201503183, ClinGen allele CA7757706.

ClinVar aggregate classification (germline): Uncertain significance. Review status: criteria provided, multiple submitters, no conflicts (2 of 4 stars). 3 submissions from 3 submitters: Uncertain significance (3). Last evaluated 2025-06-24.

Conditions:
Weill-Marchesani 4 syndrome, recessive. Also called: Weill-Marchesani syndrome 4. Identifiers: Orphanet 363992, MedGen C2750787, MONDO:0013176, OMIM 613195.
Inborn genetic diseases. Identifiers: MedGen C0950123, MeSH D030342.

Allele frequency attached by ClinVar (database versions not stated): gnomAD 0.00011 and 0.00013; gnomAD exomes 0.00011; TOPMed 0.00013; ESP Exome Variant Server 0.00046.
gnomAD v4.1: 178 of 1,614,062 alleles (0.011%); highest among the groups gnomAD compares: Admixed American, 0.025%; 1 homozygote.

Submissions (3):

Ambry Genetics
Classification: Uncertain significance for Inborn genetic diseases. Last evaluated: 2025-06-24. Review status: criteria provided, single submitter. Criteria: Ambry Variant Classification Scheme 2023. Collection method: clinical testing. Allele origin: germline.

Labcorp Genetics (formerly Invitae), Labcorp
Classification: Uncertain significance. Last evaluated: 2022-08-09. Review status: criteria provided, single submitter. Criteria: Invitae Variant Classification Sherloc (09022015). Collection method: clinical testing. Allele origin: germline.
Comment: This sequence change replaces arginine, which is basic and polar, with histidine, which is basic and polar, at codon 821 of the ADAMTS17 protein (p.Arg821His). This variant is present in population databases (rs201503183, gnomAD 0.03%). This variant has not been reported in the literature in individuals affected with ADAMTS17-related conditions. ClinVar contains an entry for this variant (Variation ID: 887751). Algorithms developed to predict the effect of missense changes on protein structure and function are either unavailable or do not agree on the potential impact of this missense change (SIFT: "Not Available"; PolyPhen-2: "Possibly Damaging"; Align-GVGD: "Not Available"). In summary, the available evidence is currently insufficient to determine the role of this variant in disease. Therefore, it has been classified as a Variant of Uncertain Significance.

Illumina Laboratory Services, Illumina
Classification: Uncertain significance for Weill-Marchesani 4 syndrome, recessive. Last evaluated: 2018-01-13. Review status: criteria provided, single submitter. Criteria: ICSL Variant Classification Criteria 13 December 2019. Collection method: clinical testing. Allele origin: germline.